The following is an entry in ClinVar:

ClinVar aggregate classification (germline): Uncertain significance (1 of 4 stars; one submission).

Conditions:
NPHP4-related disorder. Also called: NPHP4-related condition; NPHP4-related disorders. Identifiers: MedGen CN239384.

gnomAD v4.1: 3 of 1,608,324 alleles (0.00019%); highest among the groups gnomAD compares: African/African-American, 0.004%; no homozygotes.

Submission:

PreventionGenetics, part of Exact Sciences
Classification: Uncertain significance for NPHP4-related condition. Last evaluated: 2025-02-24. Review status: criteria provided, single submitter. Criteria: ACMG Guidelines, 2015. Collection method: clinical testing. Allele origin: germline.
Comment: The NPHP4 c.3624C>G variant is predicted to result in the amino acid substitution p.Asp1208Glu. To our knowledge, this variant has not been reported in the literature or in a large population database (gnomAD), indicating this variant is rare. At this time, the clinical significance of this variant is uncertain due to the absence of conclusive functional and genetic evidence.

NM_015102.5(NPHP4):c.3624C>G (p.Asp1208Glu)

Gene: NPHP4 (nephrocystin 4; minus strand). Cytogenetic location: 1p36.31.
Variant type: single nucleotide variant.
Coding change: c.3624C>G on transcript NM_015102.5 (MANE Select); coding-DNA position 3624, C replaced by G.
Protein change: p.Asp1208Glu; replaces aspartic acid 1208 with glutamic acid.
Molecular consequence: missense variant. On other transcripts: non-coding transcript variant (1).
Genome position (GRCh38, 1-based): chr1:5,866,393, G>C on the plus strand (C>G on the coding strand, the complement: NPHP4 is on the minus strand). VCF-style: chr1-5866393-G-C. GRCh37 (hg19) VCF-style: chr1-5926453-G-C.
Other names: c.2085C>G, p.Asp695Glu (NM_001291593.2); c.2088C>G, p.Asp696Glu (NM_001291594.2); short protein forms D696E, D1208E, D695E.
Identifiers: ClinVar variation 4998380 (VCV004998380.1).